The following is an entry in ClinVar:

NM_005909.5(MAP1B):c.6687G>A (p.Gln2229=)

Gene: MAP1B (microtubule associated protein 1B; plus strand). Cytogenetic location: 5q13.2.
Variant type: single nucleotide variant.
Coding change: c.6687G>A on transcript NM_005909.5 (MANE Select); coding-DNA position 6687, G replaced by A.
Protein change: p.Gln2229=; no amino-acid change (glutamine 2229 retained).
Molecular consequence: synonymous variant.
Genome position (GRCh38, 1-based): chr5:72,200,042, G>A. VCF-style: chr5-72200042-G-A. GRCh37 (hg19) VCF-style: chr5-71495869-G-A.
Other names: c.6309G>A, p.Gln2103= (NM_001324255.2).
Identifiers: ClinVar variation 3037825 (VCV003037825.2), dbSNP rs140535526, ClinGen allele CA3299515.

ClinVar aggregate classification (germline): Likely benign (0 of 4 stars; one submission).

Conditions:
MAP1B-related disorder. Also called: MAP1B-related condition.

Allele frequency attached by ClinVar (database versions not stated): ExAC 0.00008; gnomAD exomes 0.00010; gnomAD 0.00011; ESP Exome Variant Server 0.00015; TOPMed 0.00015.
gnomAD v4.1: 166 of 1,614,102 alleles (0.01%); highest among the groups gnomAD compares: Middle Eastern, 0.016%; no homozygotes.

Submission:

PreventionGenetics, part of Exact Sciences
Classification: Likely benign for MAP1B-related condition. Last evaluated: 2019-05-01. Review status: no assertion criteria provided. Collection method: clinical testing. Allele origin: germline.
Comment: This variant is classified as likely benign based on ACMG/AMP sequence variant interpretation guidelines (Richards et al. 2015 PMID: 25741868, with internal and published modifications).